The following is an entry in ClinVar:

ClinVar aggregate classification (germline): Conflicting classifications of pathogenicity. Review status: criteria provided, conflicting classifications (1 of 4 stars). 3 submissions from 3 submitters: Uncertain significance (1); Likely benign (2). Last evaluated 2024-12-31.

Conditions:
Autoinflammatory syndrome. Identifiers: Orphanet 93665, MedGen C3890737, MONDO:0019751.
Pityriasis rubra pilaris (PRP). Also called: Pityriasis rubra pilaris--familial type. Identifiers: Orphanet 2897, MedGen C0032027, MONDO:0100017, OMIM 173200, MONDO:0008251.
Psoriasis 2. Identifiers: MedGen C1864497, MONDO:0011269, OMIM 602723.

gnomAD v4.1: 50 of 1,611,910 alleles (0.0031%); highest among the groups gnomAD compares: Non-Finnish European, 0.0037%; no homozygotes.

Submissions (3):

Labcorp Genetics (formerly Invitae), Labcorp
Classification: Likely benign for Pityriasis rubra pilaris; Psoriasis 2. Last evaluated: 2024-12-31. Review status: criteria provided, single submitter. Criteria: Invitae Variant Classification Sherloc (09022015). Collection method: clinical testing. Allele origin: germline.

CeGaT Center for Human Genetics Tuebingen
Classification: Likely benign. Last evaluated: 2022-04-01. Review status: criteria provided, single submitter. Criteria: CeGaT Center For Human Genetics Tuebingen Variant Classification Criteria Version 2. Collection method: clinical testing. Allele origin: germline. Affected: yes. Observed: 1 variant allele.
Comment: CARD14: BP4, BP7

Genome Diagnostics Laboratory, The Hospital for Sick Children
Classification: Uncertain significance for Autoinflammatory syndrome. Last evaluated: 2020-04-01. Review status: criteria provided, single submitter. Criteria: ACMG Guidelines, 2015. Collection method: clinical testing. Allele origin: germline. Affected: yes.

NM_001366385.1(CARD14):c.1590G>C (p.Thr530=)

Gene: CARD14 (caspase recruitment domain family member 14; plus strand). Cytogenetic location: 17q25.3.
Variant type: single nucleotide variant.
Coding change: c.1590G>C on transcript NM_001366385.1 (MANE Select); coding-DNA position 1590, G replaced by C.
Protein change: p.Thr530=; no amino-acid change (threonine 530 retained).
Molecular consequence: synonymous variant. On other transcripts: non-coding transcript variant (1).
Genome position (GRCh38, 1-based): chr17:80,195,648, G>C. VCF-style: chr17-80195648-G-C. GRCh37 (hg19) VCF-style: chr17-78169447-G-C.
Other names: c.1590G>C, p.Thr530= (NM_001257970.1, NM_024110.4); c.879G>C, p.Thr293= (NM_052819.3).
Identifiers: ClinVar variation 1613140 (VCV001613140.35), dbSNP rs138100360, ClinGen allele CA8816874.